The following is an entry in ClinVar:

ClinVar aggregate classification (germline): Uncertain significance (1 of 4 stars; one submission).

Conditions:
Hereditary cancer-predisposing syndrome. Also called: Neoplastic Syndromes, Hereditary; Tumor predisposition; Hereditary Cancer Syndrome; Hereditary neoplastic syndrome. Identifiers: Orphanet 140162, MedGen C0027672, MeSH D009386, MONDO:0015356.

Submission:

Ambry Genetics
Classification: Uncertain significance for Hereditary cancer-predisposing syndrome. Last evaluated: 2026-04-07. Review status: criteria provided, single submitter. Criteria: Ambry Variant Classification Scheme 2023. Collection method: clinical testing. Allele origin: germline.
Comment: The c.700_702delCCTinsTCA variant (also known as p.P234S), located in coding exon 2 of the ALK gene, results from an in-frame deletion of CCT and insertion of TCA at nucleotide positions 700 to 702. This results in the substitution of the proline residue for a serine residue at codon 234, an amino acid with similar properties. This amino acid position is highly conserved in available vertebrate species. In addition, this alteration is predicted to be tolerated by in silico analysis. Based on the available evidence, the clinical significance of this variant remains unclear.

NM_004304.5(ALK):c.700_702delinsTCA (p.Pro234Ser)

Gene: ALK (ALK receptor tyrosine kinase; minus strand). Cytogenetic location: 2p23.2.
Variant type: Indel.
Coding change: c.700_702delinsTCA on transcript NM_004304.5 (MANE Select); coding-DNA positions 700 to 702, CCT replaced by TCA.
Protein change: p.Pro234Ser; replaces proline 234 with serine.
Molecular consequence: missense variant.
Genome position (GRCh38, 1-based): chr2:29,717,663-29,717,665, AGG replaced by TGA on the plus strand (CCT replaced by TCA on the coding strand, the reverse complement: ALK is on the minus strand). VCF-style: chr2-29717663-AGG-TGA. GRCh37 (hg19) VCF-style: chr2-29940529-AGG-TGA.
Other names: short protein forms P234S.
Identifiers: ClinVar variation 4869816 (VCV004869816.1).